The following is an entry in ClinVar:

ClinVar aggregate classification (germline): Uncertain significance (1 of 4 stars; one submission).

Conditions:
Developmental and epileptic encephalopathy, 23 (DEE23). Also called: Epileptic encephalopathy, early infantile, 23. Identifiers: Orphanet 411986, MedGen C4014492, MONDO:0014371, OMIM 615859.

Allele frequency attached by ClinVar (database versions not stated): TOPMed below 0.00001.

Submission:

Labcorp Genetics (formerly Invitae), Labcorp
Classification: Uncertain significance for Developmental and epileptic encephalopathy, 23. Last evaluated: 2024-06-11. Review status: criteria provided, single submitter. Criteria: Invitae Variant Classification Sherloc (09022015). Collection method: clinical testing. Allele origin: germline.
Comment: This sequence change replaces histidine, which is basic and polar, with tyrosine, which is neutral and polar, at codon 850 of the DOCK7 protein (p.His850Tyr). This variant is present in population databases (no rsID available, gnomAD 0.007%). This variant has not been reported in the literature in individuals affected with DOCK7-related conditions. ClinVar contains an entry for this variant (Variation ID: 2063192). Advanced modeling of protein sequence and biophysical properties (such as structural, functional, and spatial information, amino acid conservation, physicochemical variation, residue mobility, and thermodynamic stability) performed at Invitae indicates that this missense variant is not expected to disrupt DOCK7 protein function with a negative predictive value of 80%. In summary, the available evidence is currently insufficient to determine the role of this variant in disease. Therefore, it has been classified as a Variant of Uncertain Significance.

NM_001367561.1(DOCK7):c.2548C>T (p.His850Tyr)

Gene: DOCK7 (dedicator of cytokinesis 7; minus strand). Cytogenetic location: 1p31.3.
Variant type: single nucleotide variant.
Coding change: c.2548C>T on transcript NM_001367561.1 (MANE Select); coding-DNA position 2548, C replaced by T.
Protein change: p.His850Tyr; replaces histidine 850 with tyrosine.
Molecular consequence: missense variant.
Genome position (GRCh38, 1-based): chr1:62,555,873, G>A on the plus strand (C>T on the coding strand, the complement: DOCK7 is on the minus strand). VCF-style: chr1-62555873-G-A. GRCh37 (hg19) VCF-style: chr1-63021544-G-A.
Other names: c.2548C>T, p.His850Tyr (NM_001271999.2, NM_001272000.2, NM_001272001.2 and 2 more transcripts); short protein forms H850Y.
Identifiers: ClinVar variation 2063192 (VCV002063192.4), dbSNP rs897677974, ClinGen allele CA23751925.
Genomic context (GRCh38, chr1:62,555,873, plus strand): 5'-AGAATAAAATACCTGGTGATGATGAATTAGGGTAAGTATTTGGTAGGCGGAAAACATAAT[G>A]AATATATGATGCAAGAAGGCTGTTTCTGCCATGCTGGTCATGATTTCCTTCCAAGTTTTT-3'
Protein context (NP_001354490.1, residues 840-860): GRNSLLASYI[His850Tyr]YVFRLPNTYP